The following is an entry in ClinVar:

NM_002156.5(HSPD1):c.1216-9C>T

Gene: HSPD1 (heat shock protein family D (Hsp60) member 1; minus strand). Cytogenetic location: 2q33.1.
Variant type: single nucleotide variant.
Coding change: c.1216-9C>T on transcript NM_002156.5 (MANE Select); 9 bases into the intron before coding-DNA position 1216, C replaced by T.
Molecular consequence: intron variant.
Genome position (GRCh38, 1-based): chr2:197,488,500, G>A on the plus strand (C>T on the coding strand, the complement: HSPD1 is on the minus strand). VCF-style: chr2-197488500-G-A. GRCh37 (hg19) VCF-style: chr2-198353224-G-A.
Other names: p.?; c.1216-9C>T (NM_199440.2).
Identifiers: ClinVar variation 137562 (VCV000137562.21), dbSNP rs189395138, ClinGen allele CA291194.

ClinVar aggregate classification (germline): Benign/Likely benign. Review status: criteria provided, multiple submitters, no conflicts (2 of 4 stars). 8 submissions from 8 submitters: Benign (6); Likely benign (2). Last evaluated 2026-02-01.

Conditions:
Spastic paraplegia. Identifiers: MedGen C0037772, HP:0001258.
Hereditary spastic paraplegia. Also called: Familial spastic paraparesis. Identifiers: Orphanet 685, MedGen C0037773, MONDO:0019064. Disease mechanism: loss of function.
Hereditary spastic paraplegia 13 (SPG13). Also called: Spastic paraplegia 13; SPASTIC PARAPLEGIA 13, AUTOSOMAL DOMINANT. Identifiers: Orphanet 100994, MedGen C1854467, MONDO:0011532, OMIM 605280.

Allele frequency attached by ClinVar (database versions not stated): 1000 Genomes Project 30x 0.00125; ESP Exome Variant Server 0.00131; TOPMed 0.00133; 1000 Genomes Project 0.00140; gnomAD exomes 0.00257 and 0.00323; ExAC 0.00336; gnomAD 0.00344 and 0.00361.
gnomAD v4.1: 4,245 of 1,611,940 alleles (0.26%); highest among the groups gnomAD compares: Non-Finnish European, 0.25%; 18 homozygotes.

Submissions (8):

Labcorp Genetics (formerly Invitae), Labcorp
Classification: Benign for Spastic paraplegia. Last evaluated: 2026-02-01. Review status: criteria provided, single submitter. Criteria: Invitae Variant Classification Sherloc (09022015). Collection method: clinical testing. Allele origin: germline.

Blueprint Genetics
Classification: Likely benign. Last evaluated: 2024-11-25. Review status: criteria provided, single submitter. Criteria: ACMG Guidelines, 2015. Collection method: clinical testing. Allele origin: germline.

Athena Diagnostics
Classification: Benign. Last evaluated: 2024-08-26. Review status: criteria provided, single submitter. Criteria: Athena Diagnostics Criteria. Collection method: clinical testing. Allele origin: unknown.

ARUP Laboratories, Molecular Genetics and Genomics, ARUP Laboratories
Classification: Benign. Last evaluated: 2023-08-24. Review status: criteria provided, single submitter. Criteria: ARUP Molecular Germline Variant Investigation Process 2024. Collection method: clinical testing. Allele origin: germline.

Mayo Clinic Laboratories, Mayo Clinic
Classification: Benign. Last evaluated: 2023-07-28. Review status: criteria provided, single submitter. Criteria: ACMG Guidelines, 2015. Collection method: clinical testing. Allele origin: germline. Observed: 12 variant alleles.

Illumina Laboratory Services, Illumina
Classification: Benign for Hereditary spastic paraplegia 13. Last evaluated: 2018-01-13. Review status: criteria provided, single submitter. Criteria: ICSL Variant Classification Criteria 13 December 2019. Collection method: clinical testing. Allele origin: germline.
Comment: This variant was observed in the ICSL laboratory as part of a predisposition screen in an ostensibly healthy population. It had not been previously curated by ICSL or reported in the Human Gene Mutation Database (HGMD: prior to June 1st, 2018), and was therefore a candidate for classification through an automated scoring system. Utilizing variant allele frequency, disease prevalence and penetrance estimates, and inheritance mode, an automated score was calculated to assess if this variant is too frequent to cause the disease. Based on the score and internal cut-off values, a variant classified as benign is not then subjected to further curation. The score for this variant resulted in a classification of benign for this disease.

Genome Diagnostics Laboratory, The Hospital for Sick Children
Classification: Likely benign for Hereditary spastic paraplegia. Last evaluated: 2016-12-12. Review status: criteria provided, single submitter. Criteria: ACMG Guidelines, 2015. Collection method: clinical testing. Allele origin: germline. Affected: yes.

GeneDx
Classification: Benign. Last evaluated: 2013-10-30. Review status: criteria provided, single submitter. Criteria: GeneDx Variant Classification (06012015). Collection method: clinical testing. Allele origin: germline. Affected: yes.
Comment: This variant is considered likely benign or benign based on one or more of the following criteria: it is a conservative change, it occurs at a poorly conserved position in the protein, it is predicted to be benign by multiple in silico algorithms, and/or has population frequency not consistent with disease.